The following is an entry in ClinVar:

ClinVar aggregate classification (germline): Uncertain significance (1 of 4 stars; one submission).

Conditions:
Autosomal recessive limb-girdle muscular dystrophy type 2U. Also called: Muscular dystrophy-dystroglycanopathy (limb-girdle), type c, 7; MUSCULAR DYSTROPHY, LIMB-GIRDLE, TYPE 2U. Identifiers: Orphanet 352479, MedGen C5190987, MONDO:0014474, OMIM 616052.
Muscular dystrophy-dystroglycanopathy (congenital with brain and eye anomalies), type A, 7. Also called: WALKER-WARBURG SYNDROME OR MUSCLE-EYE-BRAIN DISEASE, ISPD-RELATED; Congenital muscular dystrophy-dystroglycanopathy with brain and eye anomalies, type A7. Identifiers: Orphanet 899, MedGen C3553330, MONDO:0013835, OMIM 614643.

gnomAD v4.1: 1 of 1,557,914 alleles (0.000064%); highest among the groups gnomAD compares: East Asian, 0.0023%; no homozygotes.

Submission:

Juno Genomics, Hangzhou Juno Genomics, Inc
Classification: Uncertain significance for Muscular dystrophy-dystroglycanopathy (congenital with brain and eye anomalies), type A, 7; Autosomal recessive limb-girdle muscular dystrophy type 2U. Review status: criteria provided, single submitter. Criteria: ACMG Guidelines, 2015. Collection method: clinical testing. Allele origin: germline.
Comment: Absent from controls (or at extremely low frequency if recessive) in Genome Aggregation Database.;Multiple lines of computational evidence support a deleterious effect on the gene or gene product.

NM_001101426.4(CRPPA):c.1286G>T (p.Gly429Val)

Gene: CRPPA (CDP-L-ribitol pyrophosphorylase A; minus strand). Cytogenetic location: 7p21.2.
Variant type: single nucleotide variant.
Coding change: c.1286G>T on transcript NM_001101426.4 (MANE Select); coding-DNA position 1286, G replaced by T.
Protein change: p.Gly429Val; replaces glycine 429 with valine.
Molecular consequence: missense variant. On other transcripts: non-coding transcript variant (1).
Genome position (GRCh38, 1-based): chr7:16,091,765, C>A on the plus strand (G>T on the coding strand, the complement: CRPPA is on the minus strand). VCF-style: chr7-16091765-C-A. GRCh37 (hg19) VCF-style: chr7-16131390-C-A.
Other names: c.1136G>T, p.Gly379Val (NM_001101417.4); c.1181G>T, p.Gly394Val (NM_001368197.1); short protein forms G379V, G394V, G429V.
Identifiers: ClinVar variation 5019242 (VCV005019242.2).